The following is an entry in ClinVar:

NM_138927.4(SON):c.4384C>T (p.Pro1462Ser)

Gene: SON (SON DNA and RNA binding protein; plus strand). Cytogenetic location: 21q22.11.
Variant type: single nucleotide variant.
Coding change: c.4384C>T on transcript NM_138927.4 (MANE Select); coding-DNA position 4384, C replaced by T.
Protein change: p.Pro1462Ser; replaces proline 1462 with serine.
Molecular consequence: missense variant. On other transcripts: non-coding transcript variant (1), intron variant (1).
Genome position (GRCh38, 1-based): chr21:33,553,615, C>T. VCF-style: chr21-33553615-C-T. GRCh37 (hg19) VCF-style: chr21-34925921-C-T.
Other names: c.4384C>T, p.Pro1462Ser (NM_001291411.2, NM_001412133.1, NM_032195.3 and 2 more transcripts); c.245-3541C>T (NM_001291412.3); short protein forms P1462S.
Identifiers: ClinVar variation 2808655 (VCV002808655.3), dbSNP rs1377231604, ClinGen allele CA410162508.

ClinVar aggregate classification (germline): Uncertain significance (1 of 4 stars; one submission).

Submission:

Labcorp Genetics (formerly Invitae), Labcorp
Classification: Uncertain significance. Last evaluated: 2023-12-18. Review status: criteria provided, single submitter. Criteria: Invitae Variant Classification Sherloc (09022015). Collection method: clinical testing. Allele origin: germline.
Comment: This sequence change replaces proline, which is neutral and non-polar, with serine, which is neutral and polar, at codon 1462 of the SON protein (p.Pro1462Ser). This variant is not present in population databases (gnomAD no frequency). This variant has not been reported in the literature in individuals affected with SON-related conditions. Algorithms developed to predict the effect of missense changes on protein structure and function output the following: SIFT: "Not Available"; PolyPhen-2: "Probably Damaging"; Align-GVGD: "Not Available". The serine amino acid residue is found in multiple mammalian species, which suggests that this missense change does not adversely affect protein function. In summary, the available evidence is currently insufficient to determine the role of this variant in disease. Therefore, it has been classified as a Variant of Uncertain Significance.